The following is an entry in ClinVar:

NM_006734.4(HIVEP2):c.6429G>A (p.Ala2143=)

Gene: HIVEP2 (HIVEP zinc finger 2; minus strand). Cytogenetic location: 6q24.2.
Variant type: single nucleotide variant.
Coding change: c.6429G>A on transcript NM_006734.4 (MANE Select); coding-DNA position 6429, G replaced by A.
Protein change: p.Ala2143=; no amino-acid change (alanine 2143 retained).
Molecular consequence: synonymous variant.
Genome position (GRCh38, 1-based): chr6:142,759,859, C>T on the plus strand (G>A on the coding strand, the complement: HIVEP2 is on the minus strand). VCF-style: chr6-142759859-C-T. GRCh37 (hg19) VCF-style: chr6-143080996-C-T.
Identifiers: ClinVar variation 715251 (VCV000715251.17), dbSNP rs192032720, ClinGen allele CA4027695.

ClinVar aggregate classification (germline): Benign/Likely benign. Review status: criteria provided, multiple submitters, no conflicts (2 of 4 stars). 2 submissions from 2 submitters: Benign (1); Likely benign (1). Last evaluated 2026-01-26.

Allele frequency attached by ClinVar (database versions not stated): ESP Exome Variant Server 0.00008; gnomAD 0.00021 and 0.00024; TOPMed 0.00025; ExAC 0.00039; 1000 Genomes Project 0.00100; 1000 Genomes Project 30x 0.00109.
gnomAD v4.1: 517 of 1,614,034 alleles (0.032%); highest among the groups gnomAD compares: East Asian, 0.049%; 1 homozygote.

Submissions (2):

Labcorp Genetics (formerly Invitae), Labcorp
Classification: Benign. Last evaluated: 2026-01-26. Review status: criteria provided, single submitter. Criteria: Invitae Variant Classification Sherloc (09022015). Collection method: clinical testing. Allele origin: germline.

CeGaT Center for Human Genetics Tuebingen
Classification: Likely benign. Last evaluated: 2025-07-01. Review status: criteria provided, single submitter. Criteria: CeGaT Center For Human Genetics Tuebingen Variant Classification Criteria Version 2. Collection method: clinical testing. Allele origin: germline. Affected: yes. Observed: 1 variant allele.
Comment: HIVEP2: BP4, BP7